The following is an entry in ClinVar:

NM_002608.4(PDGFB):c.26T>G (p.Leu9Arg)

Gene: PDGFB (platelet derived growth factor subunit B; minus strand). Cytogenetic location: 22q13.1.
Variant type: single nucleotide variant.
Coding change: c.26T>G on transcript NM_002608.4 (MANE Select); coding-DNA position 26, T replaced by G.
Protein change: p.Leu9Arg; replaces leucine 9 with arginine.
Molecular consequence: missense variant.
Genome position (GRCh38, 1-based): chr22:39,243,938, A>C on the plus strand (T>G on the coding strand, the complement: PDGFB is on the minus strand). VCF-style: chr22-39243938-A-C. GRCh37 (hg19) VCF-style: chr22-39639943-A-C.
Other names: short protein forms L9R.
Identifiers: ClinVar variation 2737046 (VCV002737046.3), dbSNP rs2517777409, ClinGen allele CA411604460.

ClinVar aggregate classification (germline): Likely pathogenic (1 of 4 stars; one submission).

Submission:

Labcorp Genetics (formerly Invitae), Labcorp
Classification: Likely pathogenic. Last evaluated: 2023-09-01. Review status: criteria provided, single submitter. Criteria: Invitae Variant Classification Sherloc (09022015). Collection method: clinical testing. Allele origin: germline.
Comment: This sequence change replaces leucine, which is neutral and non-polar, with arginine, which is basic and polar, at codon 9 of the PDGFB protein (p.Leu9Arg). In summary, the currently available evidence indicates that the variant is pathogenic, but additional data are needed to prove that conclusively. Therefore, this variant has been classified as Likely Pathogenic. Experimental studies have shown that this missense change affects PDGFB function (PMID: 26599395). An algorithm developed to predict the effect of missense changes on protein structure and function (PolyPhen-2) suggests that this variant is likely to be tolerated. This missense change has been observed in individuals with clinical features of basal ganglia calcification syndrome (PMID: 23913003; Invitae). It has also been observed to segregate with disease in related individuals. This variant is not present in population databases (gnomAD no frequency).

Literature cited by the submitters: PubMed 26599395; PubMed 23913003.